The following is an entry in ClinVar:

NR_199791.1(RNU2-2):n.143_167del

Genes: RNU2-2 (RNA, U2 small nuclear 2; minus strand), WDR74 (WD repeat domain 74; minus strand). Cytogenetic location: 11q12.3.
Variant type: Deletion.
Molecular consequence: non-coding transcript variant (on NR_199791.1). On other transcripts: 5 prime UTR variant (1).
Genome position: GRCh38 VCF-style: chr11-62841642-TACTGCAATACCAGGTCGATGCGTGG-T. GRCh37 (hg19) VCF-style: chr11-62609114-TACTGCAATACCAGGTCGATGCGTGG-T.
Other names: c.-396_-372del (NM_001369451.1).
Identifiers: ClinVar variation 4540525 (VCV004540525.1).

ClinVar aggregate classification (germline): Uncertain significance (1 of 4 stars; one submission).

Submission:

Institute for Human Genetics, University Hospital Essen
Classification: Uncertain significance. Last evaluated: 2025-11-27. Review status: criteria provided, single submitter. Criteria: Submitter's publication. Collection method: clinical testing. Allele origin: de novo. Inheritance: Autosomal unknown. Affected: yes. Observed: 1 variant allele, 1 heterozygote.
Comment: PS2_supp, PM1_supp, PM2_supp (criteria rationale detailed in Leitão et al. Nature Genetics 2026)